The following is an entry in ClinVar:

ClinVar aggregate classification (germline): Benign/Likely benign. Review status: criteria provided, multiple submitters, no conflicts (2 of 4 stars). 2 submissions from 2 submitters: Benign (1); Likely benign (1). Last evaluated 2025-04-17.

Conditions:
Congenital contractural arachnodactyly (CCA). Also called: BEALS SYNDROME; Beals-Hecht syndrome; Arthrogryposis, distal, type 9. Identifiers: Orphanet 115, MedGen C0220668, MONDO:0007363, OMIM 121050.

Allele frequency attached by ClinVar (database versions not stated): gnomAD 0.00002; gnomAD exomes 0.00002; TOPMed 0.00002.
gnomAD v4.1: 37 of 1,606,108 alleles (0.0023%); highest among the groups gnomAD compares: Non-Finnish European, 0.0031%; no homozygotes.

Submissions (2):

Labcorp Genetics (formerly Invitae), Labcorp
Classification: Likely benign for Congenital contractural arachnodactyly. Last evaluated: 2025-04-17. Review status: criteria provided, single submitter. Criteria: Invitae Variant Classification Sherloc (09022015). Collection method: clinical testing. Allele origin: germline.

GeneDx
Classification: Benign. Last evaluated: 2013-03-22. Review status: criteria provided, single submitter. Criteria: GeneDx Variant Classification (06012015). Collection method: clinical testing. Allele origin: germline. Affected: yes.
Comment: This variant is considered likely benign or benign based on one or more of the following criteria: it is a conservative change, it occurs at a poorly conserved position in the protein, it is predicted to be benign by multiple in silico algorithms, and/or has population frequency not consistent with disease.

NM_001999.4(FBN2):c.255-15G>A

Gene: FBN2 (fibrillin 2; minus strand). Cytogenetic location: 5q23.3.
Variant type: single nucleotide variant.
Coding change: c.255-15G>A on transcript NM_001999.4 (MANE Select); 15 bases into the intron before coding-DNA position 255, G replaced by A.
Molecular consequence: intron variant.
Genome position (GRCh38, 1-based): chr5:128,536,499, C>T on the plus strand (G>A on the coding strand, the complement: FBN2 is on the minus strand). VCF-style: chr5-128536499-C-T. GRCh37 (hg19) VCF-style: chr5-127872192-C-T.
Identifiers: ClinVar variation 137328 (VCV000137328.9), dbSNP rs587780942, ClinGen allele CA290870.